The following is an entry in ClinVar:

NM_005391.5(PDK3):c.137A>G (p.Tyr46Cys)

Gene: PDK3 (pyruvate dehydrogenase kinase 3; plus strand). Cytogenetic location: Xp22.11.
Variant type: single nucleotide variant.
Coding change: c.137A>G on transcript NM_005391.5 (MANE Select); coding-DNA position 137, A replaced by G.
Protein change: p.Tyr46Cys; replaces tyrosine 46 with cysteine.
Molecular consequence: missense variant.
Genome position (GRCh38, 1-based): chrX:24,494,772, A>G. VCF-style: chrX-24494772-A-G. GRCh37 (hg19) VCF-style: chrX-24512889-A-G.
Other names: c.137A>G, p.Tyr46Cys (NM_001142386.3); short protein forms Y46C.
Identifiers: ClinVar variation 1502565 (VCV001502565.6), dbSNP rs2148188298, ClinGen allele CA412604095.

ClinVar aggregate classification (germline): Uncertain significance (1 of 4 stars; one submission).

Conditions:
Charcot-Marie-Tooth disease X-linked dominant 6. Also called: CHARCOT-MARIE-TOOTH NEUROPATHY, X-LINKED DOMINANT, 6. Identifiers: Orphanet 352675, MedGen C3806702, MONDO:0010479, OMIM 300905.

gnomAD v4.1: 2 of 1,194,787 alleles (0.00017%); highest among the groups gnomAD compares: Non-Finnish European, 0.00023%; no homozygotes.

Submission:

Labcorp Genetics (formerly Invitae), Labcorp
Classification: Uncertain significance for Charcot-Marie-Tooth disease X-linked dominant 6. Last evaluated: 2022-02-10. Review status: criteria provided, single submitter. Criteria: Invitae Variant Classification Sherloc (09022015). Collection method: clinical testing. Allele origin: germline.
Comment: Algorithms developed to predict the effect of sequence changes on RNA splicing suggest that this variant may create or strengthen a splice site. In summary, the available evidence is currently insufficient to determine the role of this variant in disease. Therefore, it has been classified as a Variant of Uncertain Significance. Algorithms developed to predict the effect of missense changes on protein structure and function are either unavailable or do not agree on the potential impact of this missense change (SIFT: "Deleterious"; PolyPhen-2: "Benign"; Align-GVGD: "Class C25"). This sequence change replaces tyrosine, which is neutral and polar, with cysteine, which is neutral and slightly polar, at codon 46 of the PDK3 protein (p.Tyr46Cys). This variant is not present in population databases (gnomAD no frequency). This variant has not been reported in the literature in individuals affected with PDK3-related conditions.